The following is an entry in ClinVar:

ClinVar aggregate classification (germline): Uncertain significance (1 of 4 stars; one submission).

Conditions:
Dilated cardiomyopathy 1J (CMD1J). Also called: CARDIOMYOPATHY, DILATED, WITH SENSORINEURAL HEARING LOSS, AUTOSOMAL DOMINANT. Identifiers: Orphanet 217622, MedGen C1854368, MONDO:0011541, OMIM 605362.

Submission:

Labcorp Genetics (formerly Invitae), Labcorp
Classification: Uncertain significance for Dilated cardiomyopathy 1J. Last evaluated: 2022-09-23. Review status: criteria provided, single submitter. Criteria: Invitae Variant Classification Sherloc (09022015). Collection method: clinical testing. Allele origin: germline.
Comment: This variant has not been reported in the literature in individuals affected with EYA4-related conditions. This variant is not present in population databases (gnomAD no frequency). This sequence change replaces asparagine, which is neutral and polar, with histidine, which is basic and polar, at codon 415 of the EYA4 protein (p.Asn415His). Advanced modeling of protein sequence and biophysical properties (such as structural, functional, and spatial information, amino acid conservation, physicochemical variation, residue mobility, and thermodynamic stability) performed at Invitae indicates that this missense variant is not expected to disrupt EYA4 protein function. In summary, the available evidence is currently insufficient to determine the role of this variant in disease. Therefore, it has been classified as a Variant of Uncertain Significance.

NM_004100.5(EYA4):c.1243A>C (p.Asn415His)

Genes: TARID (TCF21 antisense RNA inducing promoter demethylation; minus strand), EYA4 (EYA transcriptional coactivator and phosphatase 4; plus strand), LOC126859796 (MED14-independent group 3 enhancer GRCh37_chr6:133826289-133827488; plus strand). Cytogenetic location: 6q23.2.
Variant type: single nucleotide variant.
Coding change: c.1243A>C on transcript NM_004100.5 (MANE Select); coding-DNA position 1243, A replaced by C.
Protein change: p.Asn415His; replaces asparagine 415 with histidine.
Molecular consequence: missense variant. On other transcripts: non-coding transcript variant (1).
Genome position (GRCh38, 1-based): chr6:133,506,157, A>C. VCF-style: chr6-133506157-A-C. GRCh37 (hg19) VCF-style: chr6-133827295-A-C.
Other names: c.1081A>C, p.Asn361His (NM_001301012.2); c.1261A>C, p.Asn421His (NM_001301013.2); c.1174A>C, p.Asn392His (NM_001370458.1, NM_172103.4); c.1099A>C, p.Asn367His (NM_001370459.1); c.1243A>C, p.Asn415His (NM_172105.4); short protein forms N361H, N367H, N392H, N415H, N421H.
Identifiers: ClinVar variation 1716723 (VCV001716723.6), dbSNP rs1583493292, ClinGen allele CA365713593.
Genomic context (GRCh38, chr6:133,506,157, plus strand): 5'-TCTTTACAGGATCCCCCCATGGCTGTAACCCTTGGACTCCGCATGGAAGAAATGATTTTT[A>C]ATCTTGCTGATACTCATTTGTTTTTTAATGATTTAGAGGTAAGAATTTTACAAGGTACAA-3'
Protein context (NP_004091.3, residues 405-425): LGLRMEEMIF[Asn415His]LADTHLFFND